The following is an entry in ClinVar:

ClinVar aggregate classification (germline): Pathogenic (1 of 4 stars; one submission).

Conditions:
Neonatal-onset encephalopathy with rigidity and seizures. Also called: Lethal neonatal spasticity-epileptic encephalopathy syndrome. Identifiers: Orphanet 435845, MedGen C3281029, MONDO:0013784, OMIM 614498.

Submission:

Labcorp Genetics (formerly Invitae), Labcorp
Classification: Pathogenic for Neonatal-onset encephalopathy with rigidity and seizures. Last evaluated: 2023-03-14. Review status: criteria provided, single submitter. Criteria: Invitae Variant Classification Sherloc (09022015). Collection method: clinical testing. Allele origin: germline.
Comment: This variant has not been reported in the literature in individuals affected with BRAT1-related conditions. This variant is not present in population databases (gnomAD no frequency). This sequence change creates a premature translational stop signal (p.Lys483Argfs*34) in the BRAT1 gene. It is expected to result in an absent or disrupted protein product. Loss-of-function variants in BRAT1 are known to be pathogenic (PMID: 22279524, 25500575). For these reasons, this variant has been classified as Pathogenic.

Literature cited by the submitters: PubMed 22279524; PubMed 25500575.

NM_152743.4(BRAT1):c.1446del (p.Lys483fs)

Gene: BRAT1 (BRCA1 associated ATM activator 1; minus strand). Cytogenetic location: 7p22.3.
Variant type: Deletion.
Coding change: c.1446del on transcript NM_152743.4 (MANE Select); coding-DNA position 1446, one base deleted (C; older notation c.1446delC).
Protein change: p.Lys483fs; shifts the reading frame from lysine 483.
Molecular consequence: frameshift variant. On other transcripts: non-coding transcript variant (1).
Genome position (GRCh38, 1-based): chr7:2,539,838, G deleted on the plus strand (C on the coding strand, the reverse complement: BRAT1 is on the minus strand); the first of 3 consecutive G bases (chr7:2,539,838-2,539,840); deleting any one gives the same sequence. VCF-style (leftmost placement, unchanged base first): chr7-2539837-TG-T. GRCh37 (hg19) VCF-style: chr7-2579471-TG-T.
Other names: c.1446del, p.Lys483fs (NM_001350626.2); c.921del, p.Lys308fs (NM_001350627.2); short protein forms K483fs, K308fs.
Identifiers: ClinVar variation 2980123 (VCV002980123.3), dbSNP rs2534318515, ClinGen allele CA2555629032.